The following is an entry in ClinVar:

NM_172107.4(KCNQ2):c.2085del (p.Thr696fs)

Gene: KCNQ2 (potassium voltage-gated channel subfamily Q member 2; minus strand). Cytogenetic location: 20q13.33.
Variant type: Deletion.
Coding change: c.2085del on transcript NM_172107.4 (MANE Select); coding-DNA position 2085, one base deleted (C; older notation c.2085delC).
Protein change: p.Thr696fs; shifts the reading frame from threonine 696.
Molecular consequence: frameshift variant.
Genome position (GRCh38, 1-based): chr20:63,407,178, G deleted on the plus strand (C on the coding strand, the reverse complement: KCNQ2 is on the minus strand); the first of 2 consecutive G bases (chr20:63,407,178-63,407,179); deleting either gives the same sequence. VCF-style (leftmost placement, unchanged base first): chr20-63407177-TG-T. GRCh37 (hg19) VCF-style: chr20-62038530-TG-T.
Other names: c.2001del, p.Thr668fs (NM_004518.6); c.2031del, p.Thr678fs (NM_172106.3); c.1992del, p.Thr665fs (NM_172108.5); short protein forms T668fs, T696fs, T665fs, T678fs.
Identifiers: ClinVar variation 429899 (VCV000429899.2), dbSNP rs1131691658, ClinGen allele CA645369788.

ClinVar aggregate classification (germline): Pathogenic (1 of 4 stars; one submission).

Submission:

GeneDx
Classification: Pathogenic. Last evaluated: 2015-09-04. Review status: criteria provided, single submitter. Criteria: GeneDx Variant Classification (06012015). Collection method: clinical testing. Allele origin: germline. Affected: yes.
Comment: The c.2085delC deletion in the KCNQ2 gene causes a frameshift starting with codon Threonine 696, changes this amino acid to an Arginine residue and creates a Stop codon at position 234 of the new reading frame, denoted p.Thr696ArgfsX234. This variant results in the last 177 amino acids of the KCNQ2 protein being lost and replaced with 233 incorrect amino acids. Although this deletion has not been previously reported to our knowledge, we interpret it as a pathogenic variant.